The following is an entry in ClinVar:

ClinVar aggregate classification (germline): Uncertain significance (1 of 4 stars; one submission).

Allele frequency attached by ClinVar (database versions not stated): ESP Exome Variant Server 0.00008.
gnomAD v4.1: 13 of 1,614,116 alleles (0.00081%); highest among the groups gnomAD compares: Non-Finnish European, 0.0011%; no homozygotes.

Submission:

Labcorp Genetics (formerly Invitae), Labcorp
Classification: Uncertain significance. Last evaluated: 2024-08-12. Review status: criteria provided, single submitter. Criteria: Invitae Variant Classification Sherloc (09022015). Collection method: clinical testing. Allele origin: germline.
Comment: This sequence change replaces serine, which is neutral and polar, with leucine, which is neutral and non-polar, at codon 1044 of the CAD protein (p.Ser1044Leu). This variant is present in population databases (rs201710900, gnomAD 0.002%). This missense change has been observed in individual(s) with Lennox-Gastaut syndrome (Invitae). ClinVar contains an entry for this variant (Variation ID: 1473366). Advanced modeling of protein sequence and biophysical properties (such as structural, functional, and spatial information, amino acid conservation, physicochemical variation, residue mobility, and thermodynamic stability) performed at Invitae indicates that this missense variant is not expected to disrupt CAD protein function with a negative predictive value of 80%. In summary, the available evidence is currently insufficient to determine the role of this variant in disease. Therefore, it has been classified as a Variant of Uncertain Significance.

NM_004341.5(CAD):c.3131C>T (p.Ser1044Leu)

Gene: CAD (carbamoyl-phosphate synthetase 2, aspartate transcarbamylase, and dihydroorotase; plus strand). Cytogenetic location: 2p23.3.
Variant type: single nucleotide variant.
Coding change: c.3131C>T on transcript NM_004341.5 (MANE Select); coding-DNA position 3131, C replaced by T.
Protein change: p.Ser1044Leu; replaces serine 1044 with leucine.
Molecular consequence: missense variant.
Genome position (GRCh38, 1-based): chr2:27,233,451, C>T. VCF-style: chr2-27233451-C-T. GRCh37 (hg19) VCF-style: chr2-27456319-C-T.
Other names: c.2942C>T, p.Ser981Leu (NM_001306079.2); short protein forms S1044L, S981L.
Identifiers: ClinVar variation 1473366 (VCV001473366.5), dbSNP rs201710900, ClinGen allele CA1573205.